The following is an entry in ClinVar:

NM_024409.4(NPPC):c.342G>C (p.Lys114Asn)

Genes: NPPC (natriuretic peptide C; minus strand), LOC129935852 (ATAC-STARR-seq lymphoblastoid silent region 12452; plus strand). Cytogenetic location: 2q37.1.
Variant type: single nucleotide variant.
Coding change: c.342G>C on transcript NM_024409.4 (MANE Select); coding-DNA position 342, G replaced by C.
Protein change: p.Lys114Asn; replaces lysine 114 with asparagine.
Molecular consequence: missense variant.
Genome position (GRCh38, 1-based): chr2:231,925,464, C>G on the plus strand (G>C on the coding strand, the complement: NPPC is on the minus strand). VCF-style: chr2-231925464-C-G. GRCh37 (hg19) VCF-style: chr2-232790174-C-G.
Other names: short protein forms K114N.
Identifiers: ClinVar variation 2709381 (VCV002709381.3), dbSNP rs2469434843, ClinGen allele CA351149881.

ClinVar aggregate classification (germline): Uncertain significance (1 of 4 stars; one submission).

gnomAD v4.1: 2 of 1,612,240 alleles (0.00012%); highest among the groups gnomAD compares: Non-Finnish European, 0.00017%; no homozygotes.

Submission:

Labcorp Genetics (formerly Invitae), Labcorp
Classification: Uncertain significance. Last evaluated: 2024-01-14. Review status: criteria provided, single submitter. Criteria: Invitae Variant Classification Sherloc (09022015). Collection method: clinical testing. Allele origin: germline.
Comment: This sequence change replaces lysine, which is basic and polar, with asparagine, which is neutral and polar, at codon 114 of the NPPC protein (p.Lys114Asn). This variant is not present in population databases (gnomAD no frequency). This variant has not been reported in the literature in individuals affected with NPPC-related conditions. An algorithm developed to predict the effect of missense changes on protein structure and function (PolyPhen-2) suggests that this variant is likely to be disruptive. In summary, the available evidence is currently insufficient to determine the role of this variant in disease. Therefore, it has been classified as a Variant of Uncertain Significance.